The following is an entry in ClinVar:

NM_001377.3(DYNC2H1):c.9310G>T (p.Glu3104Ter)

Gene: DYNC2H1 (dynein cytoplasmic 2 heavy chain 1; plus strand). Cytogenetic location: 11q22.3.
Variant type: single nucleotide variant.
Coding change: c.9310G>T on transcript NM_001377.3 (MANE Select); coding-DNA position 9310, G replaced by T.
Protein change: p.Glu3104Ter; replaces glutamic acid 3104 with a stop codon.
Molecular consequence: nonsense.
Genome position (GRCh38, 1-based): chr11:103,223,043, G>T. VCF-style: chr11-103223043-G-T. GRCh37 (hg19) VCF-style: chr11-103093772-G-T.
Other names: c.9310G>T, p.Glu3104Ter (NM_001080463.2); short protein forms E3104*.
Identifiers: ClinVar variation 2799854 (VCV002799854.4), dbSNP rs756567847, ClinGen allele CA382265306.
Genomic context (GRCh38, chr11:103,223,043, plus strand): 5'-ACTGCAGCTGCACCTTTGGCTGCCTGGGTGAAAGCCAATATTCAGTATTCCCATGTCTTG[G>T]AACGAATTCATCCTTTGGAAACTGAACAGGCAGGATTAGAATCGTAAGTGAAATATAAAA-3'

ClinVar aggregate classification (germline): Pathogenic. Review status: criteria provided, multiple submitters, no conflicts (2 of 4 stars). 2 submissions from 2 submitters: Pathogenic (2). Last evaluated 2025-02-04.

Conditions:
Asphyxiating thoracic dystrophy 3. Also called: SHORT-RIB THORACIC DYSPLASIA 3 WITH OR WITHOUT POLYDACTYLY; POLYDACTYLY WITH NEONATAL CHONDRODYSTROPHY, TYPE I; SHORT-RIB THORACIC DYSPLASIA 3/6 WITH POLYDACTYLY, DIGENIC; Short rib polydactyly syndrome 2B; Saldino-Noonan Syndrome. Identifiers: Orphanet 474, Orphanet 93269, Orphanet 93270, Orphanet 93271, MedGen C0036069, MONDO:0013127, OMIM 613091.
Jeune thoracic dystrophy. Also called: Jeune syndrome; Infantile thoracic dystrophy; Thoracic pelvic phalangeal dystrophy; Jeune's syndrome; Chondroectodermal dysplasia-like syndrome; Short-rib thoracic dysplasia. Identifiers: Orphanet 474, MedGen C0265275, MONDO:0018770.

Allele frequency attached by ClinVar (database versions not stated): TOPMed below 0.00001.

Submissions (2):

Myriad Genetics, Inc.
Classification: Pathogenic for Asphyxiating thoracic dystrophy 3. Last evaluated: 2025-02-04. Review status: criteria provided, single submitter. Criteria: Myriad Autosomal Dominant, Autosomal Recessive and X-Linked Classification Criteria (2023). Collection method: clinical testing. Allele origin: unknown.
Comment: NM_001377.2(DYNC2H1):c.9310G>T(E3104*) is expected to be pathogenic in the context of DYNC2H1-related disorders. This variant is predicted to lead to an abnormal or absent protein product due to the creation of a premature termination codon in DYNC2H1, a gene where loss-of-function variants are known to be pathogenic. Please note: this variant was assessed in the context of healthy population screening.

Labcorp Genetics (formerly Invitae), Labcorp
Classification: Pathogenic for Jeune thoracic dystrophy. Last evaluated: 2022-12-17. Review status: criteria provided, single submitter. Criteria: Invitae Variant Classification Sherloc (09022015). Collection method: clinical testing. Allele origin: germline.
Comment: For these reasons, this variant has been classified as Pathogenic. This variant has not been reported in the literature in individuals affected with DYNC2H1-related conditions. This variant is not present in population databases (gnomAD no frequency). This sequence change creates a premature translational stop signal (p.Glu3104*) in the DYNC2H1 gene. It is expected to result in an absent or disrupted protein product. Loss-of-function variants in DYNC2H1 are known to be pathogenic (PMID: 23339108, 32753734).

Literature cited by the submitters: PubMed 23339108 (cited by Labcorp Genetics (formerly Invitae), Labcorp); PubMed 32753734 (cited by Labcorp Genetics (formerly Invitae), Labcorp).